The following is an entry in ClinVar:

ClinVar aggregate classification (germline): Uncertain significance (1 of 4 stars; one submission).

Submission:

Women's Health and Genetics/Laboratory Corporation of America, LabCorp
Classification: Uncertain significance. Last evaluated: 2024-07-08. Review status: criteria provided, single submitter. Criteria: LabCorp Variant Classification Summary - May 2015. Collection method: clinical testing. Allele origin: germline.
Comment: Variant summary: KCNC2 c.1130C>G (p.Ala377Gly) results in a non-conservative amino acid change located in the Ion transport domain (IPR005821) of the encoded protein sequence. Five of five in-silico tools predict a damaging effect of the variant on protein function. The variant was absent in 250444 control chromosomes. The available data on variant occurrences in the general population are insufficient to allow any conclusion about variant significance. To our knowledge, no occurrence of c.1130C>G in individuals affected with Developmental And Epileptic Encephalopathy 103 and no experimental evidence demonstrating its impact on protein function have been reported. No submitters have cited clinical-significance assessments for this variant to ClinVar. Based on the evidence outlined above, the variant was classified as uncertain significance.

NM_139137.4(KCNC2):c.1130C>G (p.Ala377Gly)

Gene: KCNC2 (potassium voltage-gated channel subfamily C member 2; minus strand). Cytogenetic location: 12q21.1.
Variant type: single nucleotide variant.
Coding change: c.1130C>G on transcript NM_139137.4 (MANE Select); coding-DNA position 1130, C replaced by G.
Protein change: p.Ala377Gly; replaces alanine 377 with glycine.
Molecular consequence: missense variant. On other transcripts: non-coding transcript variant (1).
Genome position (GRCh38, 1-based): chr12:75,050,875, G>C on the plus strand (C>G on the coding strand, the complement: KCNC2 is on the minus strand). VCF-style: chr12-75050875-G-C. GRCh37 (hg19) VCF-style: chr12-75444655-G-C.
Other names: c.1130C>G, p.Ala377Gly (NM_001260497.2, NM_001260498.2, NM_001260499.2 and 13 more transcripts); short protein forms A377G.
Identifiers: ClinVar variation 3339091 (VCV003339091.1).